The following is an entry in ClinVar:

ClinVar aggregate classification (germline): Conflicting classifications of pathogenicity. Review status: criteria provided, conflicting classifications (1 of 4 stars). 6 submissions from 6 submitters: Uncertain significance (3); Likely benign (3). Last evaluated 2026-01-05.

Conditions:
Ehlers-Danlos syndrome, classic type, 1 (EDSCL1). Also called: Ehlers-Danlos Syndrome, Classic Type, COL5A1-Related; EHLERS-DANLOS SYNDROME, GRAVIS TYPE; EHLERS-DANLOS SYNDROME, SEVERE CLASSIC TYPE; EDS I; Ehlers-Danlos syndrome, type 1. Identifiers: MedGen C0268335, MONDO:0019567, OMIM 130000.
Ehlers-Danlos syndrome, classic type (cEDS). Identifiers: Orphanet 287, MedGen C4225429, MONDO:0007522.
Familial thoracic aortic aneurysm and aortic dissection (TAAD). Also called: Thoracic aortic aneurysms and dissections. Identifiers: Orphanet 91387, MedGen C4707243, MONDO:0019625.

Allele frequency attached by ClinVar (database versions not stated): TOPMed 0.00007; gnomAD exomes 0.00008 and 0.00012; gnomAD 0.00009; ExAC 0.00013; ESP Exome Variant Server 0.00015.
gnomAD v4.1: 136 of 1,614,042 alleles (0.0084%); highest among the groups gnomAD compares: Middle Eastern, 0.033%; no homozygotes.

Submissions (6):

Labcorp Genetics (formerly Invitae), Labcorp
Classification: Likely benign for Ehlers-Danlos syndrome, classic type, 1. Last evaluated: 2026-01-05. Review status: criteria provided, single submitter. Criteria: Invitae Variant Classification Sherloc (09022015). Collection method: clinical testing. Allele origin: germline.

GeneDx
Classification: Uncertain significance. Last evaluated: 2025-08-06. Review status: criteria provided, single submitter. Criteria: GeneDx Variant Classification Process June 2021. Collection method: clinical testing. Allele origin: germline. Affected: yes.
Comment: Reported in association with cerebral palsy and multifocal fibromuscular dysplasia (mFMD) in the published literature (PMID: 30467950, 32938213); In silico analysis supports that this missense variant has a deleterious effect on protein structure/function; Occurs in the triple helical domain at the Y position in the canonical Gly-X-Y repeat; although this variant may have an effect on normal protein folding and function, missense substitution at the Y position is not a common mechanism of disease (PMID: 22696272; HGMD); This variant is associated with the following publications: (PMID: 32938213, 30467950, 22696272)

Blueprint Genetics
Classification: Likely benign. Last evaluated: 2024-11-20. Review status: criteria provided, single submitter. Criteria: ACMG Guidelines, 2015. Collection method: clinical testing. Allele origin: germline.

Ambry Genetics
Classification: Uncertain significance for Familial thoracic aortic aneurysm and aortic dissection. Last evaluated: 2024-11-19. Review status: criteria provided, single submitter. Criteria: Ambry Variant Classification Scheme 2023. Collection method: clinical testing. Allele origin: germline.
Comment: The p.P1164L variant (also known as c.3491C>T), located in coding exon 44 of the COL5A1 gene, results from a C to T substitution at nucleotide position 3491. The proline at codon 1164 is replaced by leucine, an amino acid with similar properties. This variant was reported in one individual from a bleeding disorder cohort with limited clinical information and additional variants detected (Lein&oslash;e E et al. Br. J. Haematol., 2017 10;179:308-322). This alteration has also been reported in subjects with cerebral palsy and fibromuscular dysplasia (Pingel J et al. Am J Med Genet B Neuropsychiatr Genet, 2019 01;180:12-24; Richer J et al. Arterioscler Thromb Vasc Biol, 2020 11;40:2686-2699). This amino acid position is highly conserved in available vertebrate species. In addition, this alteration is predicted to be deleterious by in silico analysis. Since supporting evidence is limited at this time, the clinical significance of this alteration remains unclear.

Mayo Clinic Laboratories, Mayo Clinic
Classification: Uncertain significance. Last evaluated: 2022-01-26. Review status: criteria provided, single submitter. Criteria: ACMG Guidelines, 2015. Collection method: clinical testing. Allele origin: germline.

Illumina Laboratory Services, Illumina
Classification: Likely benign for Ehlers-Danlos syndrome, classic type, 1. Last evaluated: 2018-01-12. Review status: criteria provided, single submitter. Criteria: ICSL Variant Classification Criteria 13 December 2019. Collection method: clinical testing. Allele origin: germline.
Comment: This variant was observed in the ICSL laboratory as part of a predisposition screen in an ostensibly healthy population. It had not been previously curated by ICSL or reported in the Human Gene Mutation Database (HGMD: prior to June 1st, 2018), and was therefore a candidate for classification through an automated scoring system. Utilizing variant allele frequency, disease prevalence and penetrance estimates, and inheritance mode, an automated score was calculated to assess if this variant is too frequent to cause the disease. Based on the score and internal cut-off values, a variant classified as likely benign is not then subjected to further curation. The score for this variant resulted in a classification of likely benign for this disease.

Literature cited by the submitters: PubMed 28748566 (cited by Ambry Genetics); PubMed 30467950 (cited by Ambry Genetics); PubMed 32938213 (cited by Ambry Genetics).

NM_000093.5(COL5A1):c.3491C>T (p.Pro1164Leu)

Gene: COL5A1 (collagen type V alpha 1 chain; plus strand). Cytogenetic location: 9q34.3.
Variant type: single nucleotide variant.
Coding change: c.3491C>T on transcript NM_000093.5 (MANE Select); coding-DNA position 3491, C replaced by T.
Protein change: p.Pro1164Leu; replaces proline 1164 with leucine.
Molecular consequence: missense variant.
Genome position (GRCh38, 1-based): chr9:134,810,271, C>T. VCF-style: chr9-134810271-C-T. GRCh37 (hg19) VCF-style: chr9-137702117-C-T.
Other names: p.Pro1164Leu; c.3491C>T, p.Pro1164Leu (NM_001278074.1); short protein forms P1164L.
Identifiers: ClinVar variation 572790 (VCV000572790.27), dbSNP rs368305377, ClinGen allele CA5319885.